The following is an entry in ClinVar:

NM_001182.5(ALDH7A1):c.913+5G>A

Gene: ALDH7A1 (aldehyde dehydrogenase 7 family member A1; minus strand). Cytogenetic location: 5q23.2.
Variant type: single nucleotide variant.
Coding change: c.913+5G>A on transcript NM_001182.5 (MANE Select); 5 bases into the intron after coding-DNA position 913, G replaced by A.
Molecular consequence: intron variant.
Genome position (GRCh38, 1-based): chr5:126,561,078, C>T on the plus strand (G>A on the coding strand, the complement: ALDH7A1 is on the minus strand). VCF-style: chr5-126561078-C-T. GRCh37 (hg19) VCF-style: chr5-125896770-C-T.
Other names: c.913+5G>A (NM_001202404.2); c.829+5G>A (NM_001201377.2).
Identifiers: ClinVar variation 657325 (VCV000657325.1), dbSNP rs759331064, ClinGen allele CA3389605.

ClinVar aggregate classification (germline): Uncertain significance (1 of 4 stars; one submission).

Conditions:
Pyridoxine-dependent epilepsy (EPEO4). Also called: Pyridoxine-Dependent Seizures; EPILEPSY, EARLY-ONSET, 4, VITAMIN B6-DEPENDENT; PYRIDOXINE DEPENDENCY WITH SEIZURES; Pyridoxine-Dependent Epilepsy - ALDH7A1. Identifiers: Orphanet 3006, MedGen C1849508, MONDO:0009945, OMIM 266100. Disease mechanism: loss of function.

Allele frequency attached by ClinVar (database versions not stated): ExAC 0.00002; gnomAD exomes below 0.00001 and 0.00002; gnomAD 0.00001; TOPMed below 0.00001.
gnomAD v4.1: 8 of 1,613,236 alleles (0.0005%); highest among the groups gnomAD compares: Non-Finnish European, 0.00059%; no homozygotes.

Submission:

Labcorp Genetics (formerly Invitae), Labcorp
Classification: Uncertain significance for Pyridoxine-dependent epilepsy. Last evaluated: 2018-12-17. Review status: criteria provided, single submitter. Criteria: Invitae Variant Classification Sherloc (09022015). Collection method: clinical testing. Allele origin: germline.
Comment: This sequence change falls in intron 10 of the ALDH7A1 gene. It does not directly change the encoded amino acid sequence of the ALDH7A1 protein, but it affects a nucleotide within the consensus splice site of the intron. This variant is present in population databases (rs759331064, ExAC 0.003%). This variant has not been reported in the literature in individuals with ALDH7A1-related conditions. Nucleotide substitutions within the consensus splice site are a relatively common cause of aberrant splicing (PMID: 17576681, 9536098). Algorithms developed to predict the effect of sequence changes on RNA splicing suggest that this variant may disrupt the consensus splice site, but this prediction has not been confirmed by published transcriptional studies. In summary, the available evidence is currently insufficient to determine the role of this variant in disease. Therefore, it has been classified as a Variant of Uncertain Significance.